The following is an entry in ClinVar:

NM_020832.3(ZNF687):c.3618C>T (p.Gly1206=)

Gene: ZNF687 (zinc finger protein 687; plus strand). Cytogenetic location: 1q21.3.
Variant type: single nucleotide variant.
Coding change: c.3618C>T on transcript NM_020832.3 (MANE Select); coding-DNA position 3618, C replaced by T.
Protein change: p.Gly1206=; no amino-acid change (glycine 1206 retained).
Molecular consequence: synonymous variant.
Genome position (GRCh38, 1-based): chr1:151,291,113, C>T. VCF-style: chr1-151291113-C-T. GRCh37 (hg19) VCF-style: chr1-151263589-C-T.
Other names: c.3618C>T, p.Gly1206= (NM_001304763.2, NM_001304764.2).
Identifiers: ClinVar variation 3728666 (VCV003728666.2).
Genomic context (GRCh38, chr1:151,291,113, plus strand): 5'-CGATGGTGGAGACTCACCCCTGCCTGCTTCTGGAGGCCCACTGACCTGTAAGGTCTGTGG[C>T]AAGAGCTGCGACAGCCCTCTAAACCTCAAGACCCACTTCCGCACGCATGGCATGGCGTTC-3'
Protein context (NP_065883.1, residues 1196-1216): SGGPLTCKVC[Gly1206=]KSCDSPLNLK

ClinVar aggregate classification (germline): Uncertain significance (1 of 4 stars; one submission).

Submission:

Labcorp Genetics (formerly Invitae), Labcorp
Classification: Uncertain significance. Last evaluated: 2025-01-08. Review status: criteria provided, single submitter. Criteria: Invitae Variant Classification Sherloc (09022015). Collection method: clinical testing. Allele origin: germline.
Comment: This sequence change affects codon 1206 of the ZNF687 mRNA. It is a 'silent' change, meaning that it does not change the encoded amino acid sequence of the ZNF687 protein. This variant is not present in population databases (gnomAD no frequency). This variant has not been reported in the literature in individuals affected with ZNF687-related conditions. Algorithms developed to predict the effect of sequence changes on RNA splicing suggest that this variant may create or strengthen a splice site. In summary, the available evidence is currently insufficient to determine the role of this variant in disease. Therefore, it has been classified as a Variant of Uncertain Significance.